The following is an entry in ClinVar:

NM_004260.4(RECQL4):c.1789C>T (p.Pro597Ser)

Gene: RECQL4 (RecQ like helicase 4; minus strand). Cytogenetic location: 8q24.3.
Variant type: single nucleotide variant.
Coding change: c.1789C>T on transcript NM_004260.4 (MANE Select); coding-DNA position 1789, C replaced by T.
Protein change: p.Pro597Ser; replaces proline 597 with serine.
Molecular consequence: missense variant.
Genome position (GRCh38, 1-based): chr8:144,514,278, G>A on the plus strand (C>T on the coding strand, the complement: RECQL4 is on the minus strand). VCF-style: chr8-144514278-G-A. GRCh37 (hg19) VCF-style: chr8-145739662-G-A.
Other names: short protein forms P597S.
Identifiers: ClinVar variation 289862 (VCV000289862.13), dbSNP rs764839023, ClinGen allele CA4948657.
Genomic context (GRCh38, chr8:144,514,278, plus strand): 5'-AGTTGTGGGACCACTGGGAGAGGCAGTGGGCCTCATCAATGCAGGCAAAAGCAACTGGAG[G>A]CAGCTGTGCGGCTGGAGGGAGGCCTCCCGCCCCCACCAGTGCCTCAGGTGTCAGCATCAG-3'
Protein context (NP_004251.4, residues 587-607): AGGLPPAAQL[Pro597Ser]PVAFACIDEA

ClinVar aggregate classification (germline): Uncertain significance. Review status: criteria provided, multiple submitters, no conflicts (2 of 4 stars). 3 submissions from 3 submitters: Uncertain significance (3). Last evaluated 2025-05-11.

Conditions:
Rothmund-Thomson syndrome type 2 (RTS2). Identifiers: Orphanet 221016, MedGen C5203410, MONDO:0016369, OMIM 268400.
Baller-Gerold syndrome (BGS). Also called: CRANIOSYNOSTOSIS WITH RADIAL DEFECTS. Identifiers: Orphanet 1225, MedGen C0265308, MONDO:0009039, OMIM 218600.

Allele frequency attached by ClinVar (database versions not stated): ExAC 0.00004; gnomAD 0.00004 and 0.00003; TOPMed 0.00004; gnomAD exomes 0.00003 and 0.00001.

Submissions (3):

Labcorp Genetics (formerly Invitae), Labcorp
Classification: Uncertain significance for Baller-Gerold syndrome. Last evaluated: 2025-05-11. Review status: criteria provided, single submitter. Criteria: Invitae Variant Classification Sherloc (09022015). Collection method: clinical testing. Allele origin: germline.
Comment: This sequence change replaces proline, which is neutral and non-polar, with serine, which is neutral and polar, at codon 597 of the RECQL4 protein (p.Pro597Ser). This variant is present in population databases (rs764839023, gnomAD 0.006%). This variant has not been reported in the literature in individuals affected with RECQL4-related conditions. ClinVar contains an entry for this variant (Variation ID: 289862). Invitae Evidence Modeling of protein sequence and biophysical properties (such as structural, functional, and spatial information, amino acid conservation, physicochemical variation, residue mobility, and thermodynamic stability) indicates that this missense variant is expected to disrupt RECQL4 protein function with a positive predictive value of 80%. In summary, the available evidence is currently insufficient to determine the role of this variant in disease. Therefore, it has been classified as a Variant of Uncertain Significance.

St. Jude Molecular Pathology, St. Jude Children's Research Hospital
Classification: Uncertain significance for Rothmund-Thomson syndrome type 2. Last evaluated: 2023-03-13. Review status: criteria provided, single submitter. Criteria: St. Jude Assertion Criteria 2020. Collection method: clinical testing. Allele origin: germline.
Comment: The RECQL4 c.1789C>T (p.Pro597Ser) missense change has a maximum subpopulation frequency of 0.0063% in gnomAD v2.1.1. In silico tools are inconclusive about a pathogenic or benign effect of this variant on protein function, and to our knowledge functional studies have not been performed. To our knowledge, this variant has not been reported in individuals with RECQL4-associated conditions. In summary, the evidence currently available is insufficient to determine the clinical significance of this variant. It has therefore been classified as of uncertain significance.

Eurofins Ntd Llc (ga)
Classification: Uncertain significance. Last evaluated: 2016-08-31. Review status: criteria provided, single submitter. Criteria: EGL Classification Definitions 2015. Collection method: clinical testing. Allele origin: germline. Observed: 1 variant allele, 1 heterozygote.